The following is an entry in ClinVar:

NM_001267550.2(TTN):c.84041C>G (p.Ser28014Ter)

Genes: TTN (titin; minus strand), TTN-AS1 (TTN antisense RNA 1; plus strand). Cytogenetic location: 2q31.2.
Variant type: single nucleotide variant.
Coding change: c.84041C>G on transcript NM_001267550.2 (MANE Select); coding-DNA position 84041, C replaced by G.
Protein change: p.Ser28014Ter; replaces serine 28014 with a stop codon.
Molecular consequence: nonsense.
Genome position (GRCh38, 1-based): chr2:178,562,091, G>C on the plus strand (C>G on the coding strand, the complement: TTN is on the minus strand). VCF-style: chr2-178562091-G-C. GRCh37 (hg19) VCF-style: chr2-179426818-G-C.
Other names: c.79118C>G, p.Ser26373Ter (NM_001256850.1); c.56846C>G, p.Ser18949Ter (NM_003319.4); c.76337C>G, p.Ser25446Ter (NM_133378.4); c.57221C>G, p.Ser19074Ter (NM_133432.3); c.57422C>G, p.Ser19141Ter (NM_133437.4); short protein forms S26373*, S28014*, S25446*, S18949*, S19141*, S19074*.
Identifiers: ClinVar variation 393212 (VCV000393212.2), dbSNP rs1057524838, ClinGen allele CA16603993.

ClinVar aggregate classification (germline): Pathogenic (1 of 4 stars; one submission).

Submission:

GeneDx
Classification: Pathogenic. Last evaluated: 2017-11-13. Review status: criteria provided, single submitter. Criteria: GeneDx Variant Classification (06012015). Collection method: clinical testing. Allele origin: germline. Affected: yes.
Comment: Although the S26373X pathogenic variant in the TTN gene has not been previously reported as pathogenic or benign variant to our knowledge, it is predicted to cause loss of normal protein function either due to production of an abnormal, prematurely truncated protein, or by absence of protein product due to nonsense mediated mRNA decay. Other truncating TTN variants have been reported in approximately 3% of control alleles; however, S26373X is located in the A-band region of titin, where the majority of truncating pathogenic variants associated with DCM have been reported (Herman et al., 2012). Furthermore, S26373X was not observed in large population cohorts (Lek et al., 2016; Exome Variant Server). In summary, S26373X in the TTN gene is interpreted as a pathogenic variant.